The following is an entry in ClinVar:

NM_025152.3(NUBPL):c.956A>G (p.Glu319Gly)

Gene: NUBPL (NUBP iron-sulfur cluster assembly factor, mitochondrial; plus strand). Cytogenetic location: 14q12.
Variant type: single nucleotide variant.
Coding change: c.956A>G on transcript NM_025152.3 (MANE Select); coding-DNA position 956, A replaced by G.
Protein change: p.Glu319Gly; replaces glutamic acid 319 with glycine.
Molecular consequence: missense variant. On other transcripts: non-coding transcript variant (1).
Genome position (GRCh38, 1-based): chr14:31,859,176, A>G. VCF-style: chr14-31859176-A-G. GRCh37 (hg19) VCF-style: chr14-32328382-A-G.
Other names: c.956A>G (NM_025152.2); c.668A>G, p.Glu223Gly (NM_001201573.2); c.407A>G, p.Glu136Gly (NM_001201574.2); short protein forms E223G, E136G, E319G.
Identifiers: ClinVar variation 807105 (VCV000807105.48), dbSNP rs563851669, ClinGen allele CA7148032.

ClinVar aggregate classification (germline): Uncertain significance. Review status: criteria provided, multiple submitters, no conflicts (2 of 4 stars). 4 submissions from 4 submitters: Uncertain significance (4). Last evaluated 2025-12-24.

Conditions:
Inborn genetic diseases. Identifiers: MedGen C0950123, MeSH D030342.

Allele frequency attached by ClinVar (database versions not stated): gnomAD 0.00002 and 0.00003; TOPMed 0.00002; 1000 Genomes Project 0.00020; 1000 Genomes Project 30x 0.00031.
gnomAD v4.1: 56 of 1,613,762 alleles (0.0035%); highest among the groups gnomAD compares: Middle Eastern, 0.05%; no homozygotes.

Submissions (4):

Labcorp Genetics (formerly Invitae), Labcorp
Classification: Uncertain significance. Last evaluated: 2025-12-24. Review status: criteria provided, single submitter. Criteria: Invitae Variant Classification Sherloc (09022015). Collection method: clinical testing. Allele origin: germline.
Comment: This sequence change replaces glutamic acid, which is acidic and polar, with glycine, which is neutral and non-polar, at codon 319 of the NUBPL protein (p.Glu319Gly). This variant is present in population databases (rs563851669, gnomAD 0.009%). This variant has not been reported in the literature in individuals affected with NUBPL-related conditions. ClinVar contains an entry for this variant (Variation ID: 807105). An algorithm developed to predict the effect of missense changes on protein structure and function (PolyPhen-2) suggests that this variant is likely to be tolerated. In summary, the available evidence is currently insufficient to determine the role of this variant in disease. Therefore, it has been classified as a Variant of Uncertain Significance.

Ambry Genetics
Classification: Uncertain significance for Inborn genetic diseases. Last evaluated: 2024-01-04. Review status: criteria provided, single submitter. Criteria: Ambry Variant Classification Scheme 2023. Collection method: clinical testing. Allele origin: germline.

GeneDx
Classification: Uncertain significance. Last evaluated: 2023-10-23. Review status: criteria provided, single submitter. Criteria: GeneDx Variant Classification Process June 2021. Collection method: clinical testing. Allele origin: germline. Affected: yes.
Comment: Not observed at significant frequency in large population cohorts (gnomAD); In silico analysis supports that this missense variant does not alter protein structure/function; Has not been previously published as pathogenic or benign to our knowledge

CeGaT Center for Human Genetics Tuebingen
Classification: Uncertain significance. Last evaluated: 2016-06-01. Review status: criteria provided, single submitter. Criteria: CeGaT Center For Human Genetics Tuebingen Variant Classification Criteria Version 2. Collection method: clinical testing. Allele origin: germline. Affected: yes. Observed: 1 variant allele.